The following is an entry in ClinVar:

NM_000077.5(CDKN2A):c.93G>C (p.Leu31=)

Gene: CDKN2A (cyclin dependent kinase inhibitor 2A; minus strand). Cytogenetic location: 9p21.3.
Variant type: single nucleotide variant.
Coding change: c.93G>C on transcript NM_000077.5; coding-DNA position 93, G replaced by C.
Protein change: p.Leu31=; no amino-acid change (leucine 31 retained).
Molecular consequence: synonymous variant (on NM_000077.6). On other transcripts: intron variant (2).
Genome position (GRCh38, 1-based): chr9:21,974,735, C>G on the plus strand (G>C on the coding strand, the complement: CDKN2A is on the minus strand). VCF-style: chr9-21974735-C-G. GRCh37 (hg19) VCF-style: chr9-21974734-C-G.
Other names: c.93G>C, p.Leu31= (NM_000077.6, NM_001195132.2, NM_058197.5); c.-3-3527G>C (NM_001363763.2); c.194-3527G>C (NM_058195.4).
Identifiers: ClinVar variation 4294198 (VCV004294198.1).
Genomic context (GRCh38, chr9:21,974,735, plus strand): 5'-CACCTGGATCGGCCTCCGACCGTAACTATTCGGTGCGTTGGGCAGCGCCCCCGCCTCCAG[C>G]AGCGCCCGCACCTCCTCTACCCGACCCCGGGCCGCGGCCGTGGCCAGCCAGTCAGCCGAA-3'
Protein context (NP_000068.1, residues 21-41): ARGRVEEVRA[Leu31=]LEAGALPNAP

ClinVar aggregate classification (germline): Benign (1 of 4 stars; one submission).

Conditions:
Melanoma-pancreatic cancer syndrome. Identifiers: Orphanet 404560, MedGen C1838547, MONDO:0011713, OMIM 606719. Disease mechanism: loss of function.

Submission:

Myriad Genetics, Inc.
Classification: Benign for Melanoma-pancreatic cancer syndrome. Last evaluated: 2025-08-13. Review status: criteria provided, single submitter. Criteria: Myriad Autosomal Dominant, Autosomal Recessive and X-Linked Classification Criteria (2023). Collection method: clinical testing. Allele origin: unknown.
Comment: This variant is considered benign. This variant is a silent/synonymous amino acid change and it is not expected to impact splicing.